The following is an entry in ClinVar:

ClinVar aggregate classification (germline): Uncertain significance (1 of 4 stars; one submission).

Conditions:
Inborn genetic diseases. Identifiers: MedGen C0950123, MeSH D030342.

Submission:

Ambry Genetics
Classification: Uncertain significance for Inborn genetic diseases. Last evaluated: 2023-12-22. Review status: criteria provided, single submitter. Criteria: Ambry Variant Classification Scheme 2023. Collection method: clinical testing. Allele origin: germline.
Comment: The p.K216E variant (also known as c.646A>G), located in coding exon 8 of the ERCC2 gene, results from an A to G substitution at nucleotide position 646. The lysine at codon 216 is replaced by glutamic acid, an amino acid with similar properties. This amino acid position is conserved. In addition, this alteration is predicted to be deleterious by in silico analysis. Since supporting evidence is limited at this time, the clinical significance of this alteration remains unclear.

NM_000400.4(ERCC2):c.646A>G (p.Lys216Glu)

Gene: ERCC2 (ERCC excision repair 2, TFIIH core complex helicase subunit; minus strand). Cytogenetic location: 19q13.32.
Variant type: single nucleotide variant.
Coding change: c.646A>G on transcript NM_000400.4 (MANE Select); coding-DNA position 646, A replaced by G.
Protein change: p.Lys216Glu; replaces lysine 216 with glutamic acid.
Molecular consequence: missense variant.
Genome position (GRCh38, 1-based): chr19:45,364,496, T>C on the plus strand (A>G on the coding strand, the complement: ERCC2 is on the minus strand). VCF-style: chr19-45364496-T-C. GRCh37 (hg19) VCF-style: chr19-45867754-T-C.
Other names: c.574A>G, p.Lys192Glu (NM_001130867.2); short protein forms K192E, K216E.
Identifiers: ClinVar variation 3231705 (VCV003231705.1), dbSNP rs2514032395, ClinGen allele CA406374414.